The following is an entry in ClinVar:

ClinVar aggregate classification (germline): Uncertain significance (1 of 4 stars; one submission).

Conditions:
Idiopathic generalized epilepsy. Also called: EIG; Generalised epilepsy. Identifiers: MedGen C0270850, MONDO:0005579, OMIM 600669.

Allele frequency attached by ClinVar (database versions not stated): TOPMed below 0.00001; gnomAD 0.00001.
gnomAD v4.1: 1 of 1,613,698 alleles (0.000062%); highest among the groups gnomAD compares: Non-Finnish European, 0.000085%; no homozygotes.

Submission:

Labcorp Genetics (formerly Invitae), Labcorp
Classification: Uncertain significance for Idiopathic generalized epilepsy. Last evaluated: 2024-10-08. Review status: criteria provided, single submitter. Criteria: Invitae Variant Classification Sherloc (09022015). Collection method: clinical testing. Allele origin: germline.
Comment: This sequence change replaces glycine, which is neutral and non-polar, with valine, which is neutral and non-polar, at codon 13 of the RBFOX1 protein (p.Gly13Val). This variant is not present in population databases (gnomAD no frequency). This variant has not been reported in the literature in individuals affected with RBFOX1-related conditions. ClinVar contains an entry for this variant (Variation ID: 2080230). An algorithm developed to predict the effect of missense changes on protein structure and function (PolyPhen-2) suggests that this variant is likely to be disruptive. In summary, the available evidence is currently insufficient to determine the role of this variant in disease. Therefore, it has been classified as a Variant of Uncertain Significance.

NM_145893.3(RBFOX1):c.38G>T (p.Gly13Val)

Gene: RBFOX1 (RNA binding fox-1 homolog 1; plus strand). Cytogenetic location: 16p13.3.
Variant type: single nucleotide variant.
Coding change: c.38G>T on transcript NM_145893.3 (MANE Plus Clinical); coding-DNA position 38, G replaced by T.
Protein change: p.Gly13Val; replaces glycine 13 with valine.
Molecular consequence: missense variant. On other transcripts: intron variant (5).
Genome position (GRCh38, 1-based): chr16:7,333,039, G>T. VCF-style: chr16-7333039-G-T. GRCh37 (hg19) VCF-style: chr16-7383040-G-T.
Other names: c.38G>T, p.Gly13Val (NM_001415896.1, NM_001415904.1, NM_001415906.1 and 3 more transcripts); c.28-185108G>T (NM_001364800.2, NM_018723.4, NM_001142333.2 and 1 more transcripts); c.157-185108G>T (NM_001308117.1); short protein forms G13V.
Identifiers: ClinVar variation 2080230 (VCV002080230.4), dbSNP rs1259585181, ClinGen allele CA394795226.